The following is an entry in ClinVar:

NM_004168.4(SDHA):c.451G>A (p.Val151Ile)

Gene: SDHA (succinate dehydrogenase complex flavoprotein subunit A; plus strand). Cytogenetic location: 5p15.33.
Variant type: single nucleotide variant.
Coding change: c.451G>A on transcript NM_004168.4 (MANE Select); coding-DNA position 451, G replaced by A.
Protein change: p.Val151Ile; replaces valine 151 with isoleucine.
Molecular consequence: missense variant. On other transcripts: intron variant (1).
Genome position (GRCh38, 1-based): chr5:225,557, G>A. VCF-style: chr5-225557-G-A. GRCh37 (hg19) VCF-style: chr5-225672-G-A.
Other names: c.451G>A, p.Val151Ile (NM_001330758.2); c.313-326G>A (NM_001294332.2); short protein forms V151I.
Identifiers: ClinVar variation 239669 (VCV000239669.19), dbSNP rs143148642, ClinGen allele CA3172825.

ClinVar aggregate classification (germline): Conflicting classifications of pathogenicity. Review status: criteria provided, conflicting classifications (1 of 4 stars). 4 submissions from 4 submitters: Uncertain significance (2); Benign (1); Likely benign (1). Last evaluated 2026-03-30.

Conditions:
SDHA-related disorder. Also called: SDHA-related condition; SDHA-related disorders.
Mitochondrial complex II deficiency, nuclear type 1. Also called: SUCCINATE CoQ REDUCTASE DEFICIENCY. Identifiers: Orphanet 3208, MedGen C5700310, MONDO:0100294, OMIM 252011.
Pheochromocytoma/paraganglioma syndrome 5. Also called: Paragangliomas 5; SDHA-Related Hereditary Paraganglioma-Pheochromocytoma Syndrome. Identifiers: Orphanet 29072, MedGen C3279992, MONDO:0013602, OMIM 614165.
Hereditary cancer-predisposing syndrome. Also called: Hereditary Cancer Syndrome; Hereditary neoplastic syndrome; Neoplastic Syndromes, Hereditary; Tumor predisposition. Identifiers: Orphanet 140162, MedGen C0027672, MeSH D009386, MONDO:0015356.
Dilated cardiomyopathy 1GG (CMD1GG). Identifiers: Orphanet 154, MedGen C3150898, MONDO:0013339, OMIM 613642.

Allele frequency attached by ClinVar (database versions not stated): gnomAD exomes below 0.00001; ExAC 0.00001; gnomAD 0.00001; TOPMed 0.00001; ESP Exome Variant Server 0.00008.

Submissions (4):

Ambry Genetics
Classification: Likely benign for Hereditary cancer-predisposing syndrome. Last evaluated: 2026-03-30. Review status: criteria provided, single submitter. Criteria: Ambry Variant Classification Scheme 2023. Collection method: clinical testing. Allele origin: germline.

Labcorp Genetics (formerly Invitae), Labcorp
Classification: Benign for Pheochromocytoma/paraganglioma syndrome 5; Mitochondrial complex II deficiency, nuclear type 1. Last evaluated: 2025-12-22. Review status: criteria provided, single submitter. Criteria: Invitae Variant Classification Sherloc (09022015). Collection method: clinical testing. Allele origin: germline.

Baylor Genetics
Classification: Uncertain significance for Dilated cardiomyopathy 1GG. Last evaluated: 2024-02-15. Review status: criteria provided, single submitter. Criteria: ACMG Guidelines, 2015. Collection method: clinical testing. Allele origin: unknown.

PreventionGenetics, part of Exact Sciences
Classification: Uncertain significance for SDHA-related condition. Last evaluated: 2023-05-17. Review status: criteria provided, single submitter. Criteria: ACMG Guidelines, 2015. Collection method: clinical testing. Allele origin: germline.
Comment: The SDHA c.451G>A variant is predicted to result in the amino acid substitution p.Val151Ile. To our knowledge, this variant has not been reported in the literature. This variant is reported in 0.0063% of alleles in individuals of African descent in gnomAD. At this time, the clinical significance of this variant is uncertain due to the absence of conclusive functional and genetic evidence.

Literature cited by the submitters: PubMed 36413997 (cited by Ambry Genetics).